The following is an entry in ClinVar:

ClinVar aggregate classification (germline): Pathogenic. Review status: criteria provided, multiple submitters, no conflicts (2 of 4 stars). 6 submissions from 6 submitters: Pathogenic (6). Last evaluated 2024-11-05.

Conditions:
Diamond-Blackfan anemia 1 (DBA1). Also called: RPS19-Related Diamond-Blackfan Anemia; BLACKFAN-DIAMOND SYNDROME; ANEMIA, CONGENITAL HYPOPLASTIC, OF BLACKFAN AND DIAMOND; ANEMIA, CONGENITAL ERYTHROID HYPOPLASTIC; RED CELL APLASIA, PURE, HEREDITARY; AREGENERATIVE ANEMIA, CHRONIC CONGENITAL. Identifiers: Orphanet 124, MedGen C2676137, MONDO:0007110, OMIM 105650.
Diamond-Blackfan anemia. Also called: Aase syndrome; Blackfan Diamond syndrome; Aregenerative anemia chronic congenital; Red cell aplasia, pure hereditary; Congenital hypoplastic anemia. Identifiers: Orphanet 124, MedGen C1260899, MeSH D029503, MONDO:0015253, HP:0004810.

Submissions (6):

Genetic Services Laboratory, University of Chicago
Classification: Pathogenic. Last evaluated: 2024-11-05. Review status: criteria provided, single submitter. Criteria: ACMG Guidelines, 2015. Collection method: clinical testing. Allele origin: germline. Affected: yes.
Comment: DNA sequence analysis of the RPS19 gene demonstrated a sequence change, c.3G>T, in exon 2 that affects the translation start codon, p.? This sequence change has been previously described in several individuals with clinical features of Diamond-Blackfan anemia (PMID: 33718801, 28376382, 11112378). This sequence change has not been described in the population databases such as ExAC and gnomAD. Loss-of-function variants in the RPS19 gene have been described as pathogenic (PMID: 20960466). These collective evidences indicate that this sequence change is pathogenic, however functional studies have not been performed to prove this conclusively

Revvity Omics, Revvity
Classification: Pathogenic for Diamond-Blackfan anemia 1. Last evaluated: 2024-04-15. Review status: criteria provided, single submitter. Criteria: ACMG Guidelines, 2015. Collection method: clinical testing. Allele origin: germline.

Labcorp Genetics (formerly Invitae), Labcorp
Classification: Pathogenic for Diamond-Blackfan anemia. Last evaluated: 2023-02-04. Review status: criteria provided, single submitter. Criteria: Invitae Variant Classification Sherloc (09022015). Collection method: clinical testing. Allele origin: germline.
Comment: This sequence change affects the initiator methionine of the RPS19 mRNA. The next in-frame methionine is located at codon 75. This variant is not present in population databases (gnomAD no frequency). Disruption of the initiator codon has been observed in individuals with Diamond-Blackfan anemia or clinical features of this condition (PMID: 11112378, 24675553, 27329125, 28376382). This variant is also known as nt3 G->C. ClinVar contains an entry for this variant (Variation ID: 372494). For these reasons, this variant has been classified as Pathogenic.

Medical Genetics Center, Maternal and Child Health Hospital of Hubei Province
Classification: Pathogenic for Diamond-Blackfan anemia 1. Last evaluated: 2022-08-01. Review status: criteria provided, single submitter. Criteria: ACMG Guidelines, 2015. Collection method: clinical testing. Allele origin: de novo. Affected: yes.

GeneDx
Classification: Pathogenic. Last evaluated: 2021-01-04. Review status: criteria provided, single submitter. Criteria: GeneDx Variant Classification Process June 2021. Collection method: clinical testing. Allele origin: germline. Affected: yes.
Comment: Observed in an additional unrelated patient in published literature with DBA (Ramenghi et al., 2000); Initiation codon variant in a gene for which loss-of-function is a known mechanism of disease; Not observed in large population cohorts (Lek et al., 2016); This variant is associated with the following publications: (PMID: 15059149, 11112378, 28376382)

Ambry Genetics
Classification: Pathogenic for Diamond-Blackfan anemia. Last evaluated: 2016-08-23. Review status: criteria provided, single submitter. Criteria: Ambry Variant Classification Scheme 2023. Collection method: clinical testing. Allele origin: germline.
Comment: The p.M1? pathogenic mutation (also known as c.3G>T) is located in coding exon 1 of the RPS19 gene and results from a G to T substitution at nucleotide position 3. This alters the methionine residue at the initiation codon. The same study described another affected individual with a mutation at the same codon (c.3G>C) (Ramenghi U et al. Blood Cells Mol. Dis., 2000 Oct;26:417-22). This patient did not have malformations but did respond to steroids (Orfali et al. Br J Haematol. 2004;125(2):243-252:). In addition to the clinical data presented in the literature, since sequence variations that modify the initiation codon (ATG) are expected to result in either loss of translation initiation, N-terminal truncation, or cause a shift in the mRNA reading frame, this alteration is interpreted as a disease-causing mutation.

Literature cited by the submitters: PubMed 11112378 (cited by Labcorp Genetics (formerly Invitae), Labcorp and Medical Genetics Center, Maternal and Child Health Hospital of Hubei Province); PubMed 24675553 (cited by Labcorp Genetics (formerly Invitae), Labcorp); PubMed 27329125 (cited by Labcorp Genetics (formerly Invitae), Labcorp); PubMed 28376382 (cited by Labcorp Genetics (formerly Invitae), Labcorp and Medical Genetics Center, Maternal and Child Health Hospital of Hubei Province); PubMed 33718801 (cited by Medical Genetics Center, Maternal and Child Health Hospital of Hubei Province).

NM_001022.4(RPS19):c.3G>T (p.Met1Ile)

Genes: RPS19 (ribosomal protein S19; plus strand), RPS19-CD79A (RPS19-CD79A readthrough; plus strand). Cytogenetic location: 19q13.2.
Variant type: single nucleotide variant.
Coding change: c.3G>T on transcript NM_001022.4 (MANE Select); coding-DNA position 3, G replaced by T.
Protein change: p.Met1Ile; changes the start codon (methionine 1).
Molecular consequence: missense variant, initiator codon variant.
Genome position (GRCh38, 1-based): chr19:41,860,777, G>T. VCF-style: chr19-41860777-G-T. GRCh37 (hg19) VCF-style: chr19-42364847-G-T.
Other names: c.3G>T, p.Met1Ile (NM_001321483.2, NM_001321484.2, NM_001321485.2); short protein forms M1I.
Identifiers: ClinVar variation 372494 (VCV000372494.15), dbSNP rs138938035, ClinGen allele CA16043205.